The following is an entry in ClinVar:

ClinVar aggregate classification (germline): Uncertain significance (1 of 4 stars; one submission).

Conditions:
Charcot-Marie-Tooth disease type 2R. Also called: Charcot-Marie-Tooth disease, axonal, type 2R; CHARCOT-MARIE-TOOTH DISEASE, AXONAL, AUTOSOMAL RECESSIVE, TYPE 2R; CHARCOT-MARIE-TOOTH NEUROPATHY, TYPE 2R. Identifiers: Orphanet 397968, MedGen C3809655, MONDO:0014208, OMIM 615490.

Submission:

Labcorp Genetics (formerly Invitae), Labcorp
Classification: Uncertain significance for Charcot-Marie-Tooth disease type 2R. Last evaluated: 2023-04-26. Review status: criteria provided, single submitter. Criteria: Invitae Variant Classification Sherloc (09022015). Collection method: clinical testing. Allele origin: germline.
Comment: This sequence change replaces alanine, which is neutral and non-polar, with aspartic acid, which is acidic and polar, at codon 629 of the TRIM2 protein (p.Ala629Asp). This variant is not present in population databases (gnomAD no frequency). This variant has not been reported in the literature in individuals affected with TRIM2-related conditions. An algorithm developed to predict the effect of missense changes on protein structure and function (PolyPhen-2) suggests that this variant is likely to be disruptive. In summary, the available evidence is currently insufficient to determine the role of this variant in disease. Therefore, it has been classified as a Variant of Uncertain Significance.

NM_015271.5(TRIM2):c.1967C>A (p.Ala656Asp)

Gene: TRIM2 (tripartite motif containing 2; plus strand). Cytogenetic location: 4q31.3.
Variant type: single nucleotide variant.
Coding change: c.1967C>A on transcript NM_015271.5 (MANE Select); coding-DNA position 1967, C replaced by A.
Protein change: p.Ala656Asp; replaces alanine 656 with aspartic acid.
Molecular consequence: missense variant.
Genome position (GRCh38, 1-based): chr4:153,324,093, C>A. VCF-style: chr4-153324093-C-A. GRCh37 (hg19) VCF-style: chr4-154245245-C-A.
Other names: c.1886C>A, p.Ala629Asp (NM_001130067.2, NM_001375512.1, NM_001375513.1 and 4 more transcripts); c.1952C>A, p.Ala651Asp (NM_001351054.2); c.1949C>A, p.Ala650Asp (NM_001351055.2); c.1898C>A, p.Ala633Asp (NM_001351056.2); c.1511C>A, p.Ala504Asp (NM_001351057.2); c.2060C>A, p.Ala687Asp (NM_001375488.1); c.2057C>A, p.Ala686Asp (NM_001375489.1); c.1910C>A, p.Ala637Asp (NM_001375490.1); and 4 more; short protein forms A543D, A544D, A651D, A629D, A633D, A636D, A686D, A504D.
Identifiers: ClinVar variation 2859311 (VCV002859311.3), dbSNP rs2546669427, ClinGen allele CA358469689.
Genomic context (GRCh38, chr4:153,324,093, plus strand): 5'-ACTTTTGTTGTAGTCATCACATATTTTTTTCCATCTTTATTGCAGGTCCCCATTTTGCAG[C>A]TGTAAATAGCAATAATGAGATTATTATTACAGATTTCCATAATCATTCTGTCAAGGTACT-3'
Protein context (NP_056086.2, residues 646-666): DRQFAGPHFA[Ala656Asp]VNSNNEIIIT